The following is an entry in ClinVar:

ClinVar aggregate classification (germline): Uncertain significance (1 of 4 stars; one submission).

Conditions:
Pseudohypoaldosteronism type 2C (PHA2C). Also called: Pseudohypoaldosteronism Type IIC. Identifiers: Orphanet 757, Orphanet 88940, MedGen C1840391, MONDO:0013778, OMIM 614492.
Neuropathy, hereditary sensory and autonomic, type 2A (HSAN2A). Also called: MORVAN DISEASE; NEUROPATHY, CONGENITAL SENSORY; NEUROPATHY, HEREDITARY SENSORY RADICULAR, AUTOSOMAL RECESSIVE; NEUROPATHY, HEREDITARY SENSORY, TYPE IIA; NEUROPATHY, PROGRESSIVE SENSORY, OF CHILDREN; WNK1-Related HSAN2 (HSAN2A). Identifiers: Orphanet 970, MedGen C2752089, MONDO:0024309, OMIM 201300.

Allele frequency attached by ClinVar (database versions not stated): ExAC 0.00001; gnomAD 0.00001; gnomAD exomes 0.00001 and 0.00002; TOPMed 0.00001.
gnomAD v4.1: 12 of 1,613,894 alleles (0.00074%); highest among the groups gnomAD compares: Admixed American, 0.012%; no homozygotes.

Submission:

Labcorp Genetics (formerly Invitae), Labcorp
Classification: Uncertain significance for Neuropathy, hereditary sensory and autonomic, type 2A; Pseudohypoaldosteronism type 2C. Last evaluated: 2025-07-27. Review status: criteria provided, single submitter. Criteria: Invitae Variant Classification Sherloc (09022015). Collection method: clinical testing. Allele origin: germline.
Comment: This sequence change replaces proline, which is neutral and non-polar, with leucine, which is neutral and non-polar, at codon 837 of the WNK1 protein (p.Pro837Leu). This variant is present in population databases (rs775154028, gnomAD 0.01%). This variant has not been reported in the literature in individuals affected with WNK1-related conditions. ClinVar contains an entry for this variant (Variation ID: 837837). Invitae Evidence Modeling of protein sequence and biophysical properties (such as structural, functional, and spatial information, amino acid conservation, physicochemical variation, residue mobility, and thermodynamic stability) indicates that this missense variant is not expected to disrupt WNK1 protein function with a negative predictive value of 95%. In summary, the available evidence is currently insufficient to determine the role of this variant in disease. Therefore, it has been classified as a Variant of Uncertain Significance.

NM_213655.5(WNK1):c.2510C>T (p.Pro837Leu)

Gene: WNK1 (WNK lysine deficient protein kinase 1; plus strand). Cytogenetic location: 12p13.33.
Variant type: single nucleotide variant.
Coding change: c.2510C>T on transcript NM_213655.5 (MANE Plus Clinical); coding-DNA position 2510, C replaced by T.
Protein change: p.Pro837Leu; replaces proline 837 with leucine.
Molecular consequence: missense variant. On other transcripts: intron variant (2).
Genome position (GRCh38, 1-based): chr12:867,981, C>T. VCF-style: chr12-867981-C-T. GRCh37 (hg19) VCF-style: chr12-977147-C-T.
Other names: c.2255C>T, p.Pro752Leu (NM_001184985.2); c.2140-3284C>T (NM_018979.4, NM_014823.3); short protein forms P752L, P837L.
Identifiers: ClinVar variation 837837 (VCV000837837.9), dbSNP rs775154028, ClinGen allele CA6382190.
Genomic context (GRCh38, chr12:867,981, plus strand): 5'-TATTTTTCCCAACTATTCATGAACGTCCAGTTTCTTTTTCACCACCTCCCACCTGCCCAC[C>T]GAAAGTAGCCATTTCCCAGCGGCGTAAGAGCACCTCCTTCCTGGAAGCCCAAACTCACCA-3'
Protein context (NP_998820.3, residues 827-847): VSFSPPPTCP[Pro837Leu]KVAISQRRKS